The following is an entry in ClinVar:

NM_000294.3(PHKG2):c.782C>G (p.Ser261Cys)

Gene: PHKG2 (phosphorylase kinase catalytic subunit gamma 2; plus strand). Cytogenetic location: 16p11.2.
Variant type: single nucleotide variant.
Coding change: c.782C>G on transcript NM_000294.3 (MANE Select); coding-DNA position 782, C replaced by G.
Protein change: p.Ser261Cys; replaces serine 261 with cysteine.
Molecular consequence: missense variant.
Genome position (GRCh38, 1-based): chr16:30,756,501, C>G. VCF-style: chr16-30756501-C-G. GRCh37 (hg19) VCF-style: chr16-30767822-C-G.
Other names: c.782C>G, p.Ser261Cys (NM_001172432.2); short protein forms S261C.
Identifiers: ClinVar variation 2056512 (VCV002056512.2), dbSNP rs144792786, ClinGen allele CA8013296.

ClinVar aggregate classification (germline): Uncertain significance. Review status: criteria provided, multiple submitters, no conflicts (2 of 4 stars). 2 submissions from 2 submitters: Uncertain significance (2). Last evaluated 2024-11-25.

Conditions:
Glycogen storage disease IXc (GSD9C). Also called: GSD IXc. Identifiers: Orphanet 264580, MedGen C2751643, MONDO:0013091, OMIM 613027.

Allele frequency attached by ClinVar (database versions not stated): TOPMed 0.00014; ESP Exome Variant Server 0.00015; gnomAD 0.00018; gnomAD exomes 0.00020; ExAC 0.00030.
gnomAD v4.1: 317 of 1,613,112 alleles (0.02%); highest among the groups gnomAD compares: Non-Finnish European, 0.017%; no homozygotes.

Submissions (2):

Blueprint Genetics
Classification: Uncertain significance. Last evaluated: 2024-11-25. Review status: criteria provided, single submitter. Criteria: ACMG Guidelines, 2015. Collection method: clinical testing. Allele origin: germline.

Labcorp Genetics (formerly Invitae), Labcorp
Classification: Uncertain significance for Glycogen storage disease IXc. Last evaluated: 2022-10-24. Review status: criteria provided, single submitter. Criteria: Invitae Variant Classification Sherloc (09022015). Collection method: clinical testing. Allele origin: germline.
Comment: This sequence change replaces serine, which is neutral and polar, with cysteine, which is neutral and slightly polar, at codon 261 of the PHKG2 protein (p.Ser261Cys). This variant is present in population databases (rs144792786, gnomAD 0.1%). This variant has not been reported in the literature in individuals affected with PHKG2-related conditions. Advanced modeling of protein sequence and biophysical properties (such as structural, functional, and spatial information, amino acid conservation, physicochemical variation, residue mobility, and thermodynamic stability) performed at Invitae indicates that this missense variant is expected to disrupt PHKG2 protein function. In summary, the available evidence is currently insufficient to determine the role of this variant in disease. Therefore, it has been classified as a Variant of Uncertain Significance.